The following is an entry in ClinVar:

ClinVar aggregate classification (germline): Likely pathogenic (1 of 4 stars; one submission).

Submission:

GeneDx
Classification: Likely pathogenic. Last evaluated: 2017-04-27. Review status: criteria provided, single submitter. Criteria: GeneDx Variant Classification (06012015). Collection method: clinical testing. Allele origin: germline. Affected: yes.
Comment: The W569X variant in the KLHL41 gene has not been reported previously as a pathogenic variant nor as a benign variant, to our knowledge. This variant is predicted to cause loss of normal protein function through protein truncation. The W569X variant is not observed in large population cohorts (Lek et al., 2016; 1000 Genomes Consortium et al., 2015; Exome Variant Server). We interpret W569X as a likely pathogenic variant.

NM_006063.3(KLHL41):c.1707G>A (p.Trp569Ter)

Gene: KLHL41 (kelch like family member 41; plus strand). Cytogenetic location: 2q31.1.
Variant type: single nucleotide variant.
Coding change: c.1707G>A on transcript NM_006063.3 (MANE Select); coding-DNA position 1707, G replaced by A.
Protein change: p.Trp569Ter; replaces tryptophan 569 with a stop codon.
Molecular consequence: nonsense.
Genome position (GRCh38, 1-based): chr2:169,521,005, G>A. VCF-style: chr2-169521005-G-A. GRCh37 (hg19) VCF-style: chr2-170377515-G-A.
Other names: short protein forms W569*.
Identifiers: ClinVar variation 429539 (VCV000429539.2), dbSNP rs1131691443, ClinGen allele CA349180164.